The following is an entry in ClinVar:

NM_004817.4(TJP2):c.629C>G (p.Ala210Gly)

Gene: TJP2 (tight junction protein 2; plus strand). Cytogenetic location: 9q21.11.
Variant type: single nucleotide variant.
Coding change: c.629C>G on transcript NM_004817.4 (MANE Select); coding-DNA position 629, C replaced by G.
Protein change: p.Ala210Gly; replaces alanine 210 with glycine.
Molecular consequence: missense variant.
Genome position (GRCh38, 1-based): chr9:69,221,173, C>G. VCF-style: chr9-69221173-C-G. GRCh37 (hg19) VCF-style: chr9-71836089-C-G.
Other names: c.629C>G, p.Ala210Gly (LRG_1201t1, NM_001369872.1, NM_001369873.1 and 1 more transcripts); c.560C>G, p.Ala187Gly (NM_001170414.2, NM_001369870.1, NM_001369871.1); c.641C>G, p.Ala214Gly (NM_001170415.1, NM_001369874.1, NM_001369875.1); c.722C>G, p.Ala241Gly (NM_001170416.2); short protein forms A210G, A214G, A241G, A187G.
Identifiers: ClinVar variation 597857 (VCV000597857.9), dbSNP rs773909292, ClinGen allele CA5073051.
Genomic context (GRCh38, chr9:69,221,173, plus strand): 5'-ACCTCAGCCGGGACCGGAGCCGTGGCCGGAGCCTGGAGCGGGGCCTGGACCAAGACCATG[C>G]GCGCACCCGAGACCGCAGCCGTGGCCGGAGCCTGGAGCGGGGCCTGGACCACGACTTTGG-3'
Protein context (NP_004808.2, residues 200-220): SLERGLDQDH[Ala210Gly]RTRDRSRGRS

ClinVar aggregate classification (germline): Conflicting classifications of pathogenicity. Review status: criteria provided, conflicting classifications (1 of 4 stars). 4 submissions from 4 submitters: Uncertain significance (2); Likely benign (1). 1 of the submissions does not count toward it. Last evaluated 2023-12-09.

Conditions:
TJP2-related disorder. Also called: TJP2-related condition.
Inborn genetic diseases. Identifiers: MedGen C0950123, MeSH D030342.

Allele frequency attached by ClinVar (database versions not stated): gnomAD 0.00001; TOPMed 0.00002.
gnomAD v4.1: 30 of 1,593,322 alleles (0.0019%); highest among the groups gnomAD compares: Admixed American, 0.048%; no homozygotes.

Submissions (4):

Ambry Genetics
Classification: Likely benign for Inborn genetic diseases. Last evaluated: 2023-12-09. Review status: criteria provided, single submitter. Criteria: Ambry Variant Classification Scheme 2023. Collection method: clinical testing. Allele origin: germline.

GeneDx
Classification: Uncertain significance. Last evaluated: 2022-11-30. Review status: criteria provided, single submitter. Criteria: GeneDx Variant Classification Process June 2021. Collection method: clinical testing. Allele origin: germline. Affected: yes.
Comment: In silico analysis supports that this missense variant does not alter protein structure/function; Has not been previously published as pathogenic or benign to our knowledge

Eurofins Ntd Llc (ga)
Classification: Uncertain significance. Last evaluated: 2018-07-04. Review status: criteria provided, single submitter. Criteria: EGL ClinVar v180209 classification definitions. Collection method: clinical testing. Allele origin: germline. Observed: 1 variant allele, 1 heterozygote.

PreventionGenetics, part of Exact Sciences
Classification: Uncertain significance for TJP2-related condition. Last evaluated: 2024-07-24. Review status: no assertion criteria provided. Collection method: clinical testing. Allele origin: germline. Not counted in ClinVar's aggregate classification.
Comment: The TJP2 c.629C>G variant is predicted to result in the amino acid substitution p.Ala210Gly. To our knowledge, this variant has not been reported in the literature. This variant is reported in 0.065% of alleles in individuals of Latino descent in gnomAD. At this time, the clinical significance of this variant is uncertain due to the absence of conclusive functional and genetic evidence.